The following is an entry in ClinVar:

ClinVar aggregate classification (germline): Uncertain significance (1 of 4 stars; one submission).

Conditions:
Hereditary sensory and autonomic neuropathy type 1 (HSAN1). Also called: HSAN 1; HSN Type I; Hereditary Sensory Neuropathy Type I. Identifiers: Orphanet 36386, MedGen C0020071, MONDO:0018213.

Allele frequency attached by ClinVar (database versions not stated): gnomAD 0.00001; ExAC 0.00002; TOPMed 0.00002.
gnomAD v4.1: 3 of 1,610,214 alleles (0.00019%); highest among the groups gnomAD compares: African/African-American, 0.0027%; no homozygotes.

Submission:

Labcorp Genetics (formerly Invitae), Labcorp
Classification: Uncertain significance for Hereditary sensory and autonomic neuropathy type 1. Last evaluated: 2023-08-29. Review status: criteria provided, single submitter. Criteria: Invitae Variant Classification Sherloc (09022015). Collection method: clinical testing. Allele origin: germline.
Comment: This sequence change creates a premature translational stop signal (p.Tyr44*) in the SPTLC1 gene. It is expected to result in an absent or disrupted protein product. However, the current clinical and genetic evidence is not sufficient to establish whether loss-of-function variants in SPTLC1 cause disease. This variant is present in population databases (rs749079368, gnomAD 0.01%). This variant has not been reported in the literature in individuals affected with SPTLC1-related conditions. In summary, the available evidence is currently insufficient to determine the role of this variant in disease. Therefore, it has been classified as a Variant of Uncertain Significance.

NM_006415.4(SPTLC1):c.132C>A (p.Tyr44Ter)

Gene: SPTLC1 (serine palmitoyltransferase long chain base subunit 1; minus strand). Cytogenetic location: 9q22.31.
Variant type: single nucleotide variant.
Coding change: c.132C>A on transcript NM_006415.4 (MANE Select); coding-DNA position 132, C replaced by A.
Protein change: p.Tyr44Ter; replaces tyrosine 44 with a stop codon.
Molecular consequence: nonsense. On other transcripts: 5 prime UTR variant (2).
Genome position (GRCh38, 1-based): chr9:92,112,488, G>T on the plus strand (C>A on the coding strand, the complement: SPTLC1 is on the minus strand). VCF-style: chr9-92112488-G-T. GRCh37 (hg19) VCF-style: chr9-94874770-G-T.
Other names: c.132C>A, p.Tyr44Ter (NM_001281303.2, NM_178324.3); c.-368C>A (NM_001368272.1); c.-334C>A (NM_001368273.1); short protein forms Y44*.
Identifiers: ClinVar variation 2918217 (VCV002918217.3), dbSNP rs749079368, ClinGen allele CA5121676.